The following is an entry in ClinVar:

NM_001099271.2(POC5):c.1214C>G (p.Ala405Gly)

Gene: POC5 (POC5 centriolar protein; minus strand). Cytogenetic location: 5q13.3.
Variant type: single nucleotide variant.
Coding change: c.1214C>G on transcript NM_001099271.2 (MANE Select); coding-DNA position 1214, C replaced by G.
Protein change: p.Ala405Gly; replaces alanine 405 with glycine.
Molecular consequence: missense variant.
Genome position (GRCh38, 1-based): chr5:75,685,400, G>C on the plus strand (C>G on the coding strand, the complement: POC5 is on the minus strand). VCF-style: chr5-75685400-G-C. GRCh37 (hg19) VCF-style: chr5-74981225-G-C.
Other names: c.1139C>G, p.Ala380Gly (NM_152408.3); short protein forms A380G, A405G.
Identifiers: ClinVar variation 2869377 (VCV002869377.3), dbSNP rs2478798892, ClinGen allele CA360144761.

ClinVar aggregate classification (germline): Uncertain significance (1 of 4 stars; one submission).

gnomAD v4.1: 1 of 1,614,008 alleles (0.000062%); no homozygotes.

Submission:

Labcorp Genetics (formerly Invitae), Labcorp
Classification: Uncertain significance. Last evaluated: 2023-10-23. Review status: criteria provided, single submitter. Criteria: Invitae Variant Classification Sherloc (09022015). Collection method: clinical testing. Allele origin: germline.
Comment: This sequence change replaces alanine, which is neutral and non-polar, with glycine, which is neutral and non-polar, at codon 405 of the POC5 protein (p.Ala405Gly). This variant is not present in population databases (gnomAD no frequency). This variant has not been reported in the literature in individuals affected with POC5-related conditions. An algorithm developed to predict the effect of missense changes on protein structure and function (PolyPhen-2) suggests that this variant is likely to be disruptive. Algorithms developed to predict the effect of sequence changes on RNA splicing suggest that this variant may disrupt the consensus splice site. In summary, the available evidence is currently insufficient to determine the role of this variant in disease. Therefore, it has been classified as a Variant of Uncertain Significance.